The following is an entry in ClinVar:

NM_033026.6(PCLO):c.13831+6del

Gene: PCLO (piccolo presynaptic cytomatrix protein; minus strand). Cytogenetic location: 7q21.11.
Variant type: Deletion.
Coding change: c.13831+6del on transcript NM_033026.6 (MANE Select); 6 bases into the intron after coding-DNA position 13831, one base deleted (T; older notation c.13831+6delT).
Molecular consequence: intron variant.
Genome position (GRCh38, 1-based): chr7:82,846,561, A deleted on the plus strand (T on the coding strand, the reverse complement: PCLO is on the minus strand). VCF-style (leftmost placement, unchanged base first): chr7-82846560-TA-T. GRCh37 (hg19) VCF-style: chr7-82475876-TA-T.
Other names: c.13831+6del (NM_014510.3).
Identifiers: ClinVar variation 1439612 (VCV001439612.6), dbSNP rs1049142006, ClinGen allele CA161119412.

ClinVar aggregate classification (germline): Uncertain significance (1 of 4 stars; one submission).

Allele frequency attached by ClinVar (database versions not stated): gnomAD exomes below 0.00001; TOPMed 0.00001.

Submission:

Labcorp Genetics (formerly Invitae), Labcorp
Classification: Uncertain significance. Last evaluated: 2022-11-15. Review status: criteria provided, single submitter. Criteria: Invitae Variant Classification Sherloc (09022015). Collection method: clinical testing. Allele origin: germline.
Comment: In summary, the available evidence is currently insufficient to determine the role of this variant in disease. Therefore, it has been classified as a Variant of Uncertain Significance. Variants that disrupt the consensus splice site are a relatively common cause of aberrant splicing (PMID: 17576681, 9536098). Algorithms developed to predict the effect of sequence changes on RNA splicing suggest that this variant is not likely to affect RNA splicing. ClinVar contains an entry for this variant (Variation ID: 1439612). This variant has not been reported in the literature in individuals affected with PCLO-related conditions. This variant is not present in population databases (gnomAD no frequency). This sequence change falls in intron 12 of the PCLO gene. It does not directly change the encoded amino acid sequence of the PCLO protein. It affects a nucleotide within the consensus splice site.

Literature cited by the submitters: PubMed 17576681; PubMed 9536098.